The following is an entry in ClinVar:

NM_000202.8(IDS):c.1040A>T (p.Lys347Ile)

Genes: IDS (iduronate 2-sulfatase; minus strand), LOC106050102 (IDS recombination region; plus strand). Cytogenetic location: Xq28.
Variant type: single nucleotide variant.
Coding change: c.1040A>T on transcript NM_000202.8 (MANE Select); coding-DNA position 1040, A replaced by T.
Protein change: p.Lys347Ile; replaces lysine 347 with isoleucine.
Molecular consequence: missense variant.
Genome position (GRCh38, 1-based): chrX:149,487,065, T>A on the plus strand (A>T on the coding strand, the complement: IDS is on the minus strand). VCF-style: chrX-149487065-T-A. GRCh37 (hg19) VCF-style: chrX-148568596-T-A.
Other names: c.770A>T, p.Lys257Ile (NM_001166550.4); short protein forms K257I, K347I.
Identifiers: ClinVar variation 3255944 (VCV003255944.2).
Genomic context (GRCh38, chrX:149,487,065, plus strand): 5'-GTCCTTCCAGGAACATAGAATATCAGGGGAACATGGGTAGCAACATCAAAATTGCTGTAT[T>A]TGGCCCATTCTCCATGTTCACCTAGAGCCCACCCTAGTTCATAAAAAGCACAGAATGACA-3'
Protein context (NP_000193.1, residues 337-357): WALGEHGEWA[Lys347Ile]YSNFDVATHV

ClinVar aggregate classification (germline): Pathogenic (1 of 4 stars; one submission).

Conditions:
Mucopolysaccharidosis, MPS-II (MPS2). Also called: Hunter Syndrome; IDURONATE 2-SULFATASE DEFICIENCY; Mucopolysaccharidosis Type II; Mucopolysaccharidosis type 2; Attenuated MPS (subtype; formerly known as mild MPS II); Severe MPS II. Identifiers: Orphanet 580, Orphanet 79388, MedGen C0026705, MONDO:0010674, OMIM 309900.

Submission:

Laboratory of Diagnosis and Therapy of Lysosomal Disorders, University of Padova
Classification: Pathogenic for Mucopolysaccharidosis, MPS-II. Last evaluated: 2024-06-07. Review status: criteria provided, single submitter. Criteria: ACMG Guidelines, 2015. Collection method: literature only. Allele origin: germline. Affected: yes. Observed: 1 variant allele.
Comment: Located in a mutational hot spot and/or critical functional domain (PM1_Moderate), Absent from controls (or at low frequency) in gnomAD database (PM2_Moderate), Missense variant in a gene with a low rate of benign missense variation (PP2_Supporting), Multiple lines of computational evidence support a deleterious effect (PP3_Supporting), Patient’s phenotype or family history highly specific for the disease (PP4_Strong)

Classification method: ACMG Guidelines [PMID:25741868] with modifications

Literature cited by the submitters: PubMed 8940265.